The following is an entry in ClinVar:

ClinVar aggregate classification (germline): Uncertain significance (1 of 4 stars; one submission).

gnomAD v4.1: 1 of 1,211,211 alleles (0.000083%); highest among the groups gnomAD compares: Non-Finnish European, 0.00011%; no homozygotes.

Submission:

GeneDx
Classification: Uncertain significance. Last evaluated: 2025-04-17. Review status: criteria provided, single submitter. Criteria: GeneDx Variant Classification Process June 2021. Collection method: clinical testing. Allele origin: germline. Affected: yes.
Comment: Not observed at significant frequency in large population cohorts (gnomAD); In silico analysis supports that this missense variant has a deleterious effect on protein structure/function; Has not been previously published as pathogenic or benign to our knowledge

NM_006521.6(TFE3):c.1067G>A (p.Arg356His)

Gene: TFE3 (transcription factor binding to IGHM enhancer 3; minus strand). Cytogenetic location: Xp11.23.
Variant type: single nucleotide variant.
Coding change: c.1067G>A on transcript NM_006521.6 (MANE Select); coding-DNA position 1067, G replaced by A.
Protein change: p.Arg356His; replaces arginine 356 with histidine.
Molecular consequence: missense variant.
Genome position (GRCh38, 1-based): chrX:49,033,534, C>T on the plus strand (G>A on the coding strand, the complement: TFE3 is on the minus strand). VCF-style: chrX-49033534-C-T. GRCh37 (hg19) VCF-style: chrX-48891049-C-T.
Other names: c.752G>A, p.Arg251His (NM_001282142.2); short protein forms R251H, R356H.
Identifiers: ClinVar variation 4282325 (VCV004282325.1).